The following is an entry in ClinVar:

NM_001089.3(ABCA3):c.127C>T (p.Arg43Cys)

Gene: ABCA3 (ATP binding cassette subfamily A member 3; minus strand). Cytogenetic location: 16p13.3.
Variant type: single nucleotide variant.
Coding change: c.127C>T on transcript NM_001089.3 (MANE Select); coding-DNA position 127, C replaced by T.
Protein change: p.Arg43Cys; replaces arginine 43 with cysteine.
Molecular consequence: missense variant.
Genome position (GRCh38, 1-based): chr16:2,326,202, G>A on the plus strand (C>T on the coding strand, the complement: ABCA3 is on the minus strand). VCF-style: chr16-2326202-G-A. GRCh37 (hg19) VCF-style: chr16-2376203-G-A.
Other names: short protein forms R43C.
Identifiers: ClinVar variation 1767530 (VCV001767530.8), dbSNP rs373617498, ClinGen allele CA7841780.

ClinVar aggregate classification (germline): Pathogenic/Likely pathogenic. Review status: criteria provided, multiple submitters, no conflicts (2 of 4 stars). 4 submissions from 4 submitters: Pathogenic (1); Likely pathogenic (3). Last evaluated 2025-10-21.

Conditions:
Hereditary pulmonary alveolar proteinosis. Also called: Pulmonary surfactant metabolism dysfunction. Identifiers: Orphanet 264675, MedGen C3711368, MONDO:0012580.
Interstitial lung disease due to ABCA3 deficiency. Also called: PULMONARY ALVEOLAR PROTEINOSIS, CONGENITAL, 3. Identifiers: Orphanet 440402, MedGen C1970456, MONDO:0012582, OMIM 610921.

Allele frequency attached by ClinVar (database versions not stated): TOPMed below 0.00001; gnomAD 0.00001; ExAC 0.00002; ESP Exome Variant Server 0.00008.
gnomAD v4.1: 7 of 1,613,992 alleles (0.00043%); highest among the groups gnomAD compares: Non-Finnish European, 0.00051%; no homozygotes.

Submissions (4):

Myriad Genetics, Inc.
Classification: Likely pathogenic for Interstitial lung disease due to ABCA3 deficiency. Last evaluated: 2025-10-21. Review status: criteria provided, single submitter. Criteria: Myriad Autosomal Dominant, Autosomal Recessive and X-Linked Classification Criteria (2023). Collection method: clinical testing. Allele origin: unknown.
Comment: NM_001089.2(ABCA3):c.127C>T(R43C) is a missense variant classified as likely pathogenic in the context of surfactant deficiency, ABCA3-related. R43C has been observed in cases with relevant disease (PMID: 22337229, 27516224, 32782805, 33240318, 35078193, 23625987, 24871971). Relevant functional assessments of this variant are not available in the literature. R43C has been observed in referenced population frequency databases. In summary, NM_001089.2(ABCA3):c.127C>T(R43C) is a missense variant that has been observed more frequently in cases with the relevant disease than in healthy populations. Please note: this variant was assessed in the context of healthy population screening.

Ambry Genetics
Classification: Likely pathogenic for Hereditary pulmonary alveolar proteinosis. Last evaluated: 2024-01-19. Review status: criteria provided, single submitter. Criteria: Ambry Variant Classification Scheme 2023. Collection method: clinical testing. Allele origin: germline.
Comment: The p.R43C variant (also known as c.127C>T), located in coding exon 2 of the ABCA3 gene, results from a C to T substitution at nucleotide position 127. The arginine at codon 43 is replaced by cysteine, an amino acid with highly dissimilar properties. This variant has been identified (likely) in trans with another ABCA3 variant in multiple individuals with features consistent with pulmonary surfactant metabolism dysfunction (Agrawal A et al. Pediatr Res, 2012 Jun;71:633-7; Turcu S et al. Arch Dis Child, 2013 Jul;98:490-5; Wambach JA et al. Am J Respir Crit Care Med, 2014 Jun;189:1538-43; Kr&ouml;ner C et al. Thorax, 2017 Mar;72:213-220; Zhu T et al. Front Genet, 2020 Nov;11:565078). Another alteration at the same codon, p.R43H (c.128G>A), has been detected in the homozygous state or in conjunction with other ABCA3 disease-causing variants in multiple affected individuals (Doan ML et al. Thorax, 2008 Apr;63:366-73; Agrawal A et al. Pediatr Res, 2012 Jun;71:633-7; Wambach JA et al. Am J Respir Crit Care Med, 2014 Jun;189:1538-43; Ambry internal data). This amino acid position is highly conserved in available vertebrate species. In addition, p.R43C is predicted to be deleterious by in silico analysis. This variant is considered to be rare based on population cohorts in the Genome Aggregation Database (gnomAD). Based on the majority of available evidence to date, this variant is likely to be pathogenic.

Women's Health and Genetics/Laboratory Corporation of America, LabCorp
Classification: Likely pathogenic for Interstitial lung disease due to ABCA3 deficiency. Last evaluated: 2023-12-12. Review status: criteria provided, single submitter. Criteria: LabCorp Variant Classification Summary - May 2015. Collection method: clinical testing. Allele origin: germline.
Comment: Variant summary: ABCA3 c.127C>T (p.Arg43Cys) results in a non-conservative amino acid change in the encoded protein sequence. Five of five in-silico tools predict a damaging effect of the variant on protein function. The variant allele was found at a frequency of 4e-06 in 251326 control chromosomes (gnomAD). c.127C>T has been reported in the literature in individuals affected with interstitial lung disease (Agrawal_2012, Turcu_2013, Wambach_2014, Krner_2016, Cho_2020, Zhu_2020, Xu_2022, Li_2023). These data indicate that the variant is likely to be associated with disease. To our knowledge, no experimental evidence demonstrating an impact on protein function has been reported. The following publications have been ascertained in the context of this evaluation (PMID: 22337229, 32782805, 26375475, 27516224, 36808083, 23625987, 24871971, 23166334, 36404394, 35170262, 33240318). One submitter has cited clinical-significance assessments for this variant to ClinVar after 2014 and has classified the variant as likely pathogenic. Based on the evidence outlined above, the variant was classified as likely pathogenic.

Labcorp Genetics (formerly Invitae), Labcorp
Classification: Pathogenic. Last evaluated: 2023-06-23. Review status: criteria provided, single submitter. Criteria: Invitae Variant Classification Sherloc (09022015). Collection method: clinical testing. Allele origin: germline.
Comment: For these reasons, this variant has been classified as Pathogenic. This variant disrupts the p.Arg43 amino acid residue in ABCA3. Other variant(s) that disrupt this residue have been determined to be pathogenic (PMID: 18024538, 24871971). This suggests that this residue is clinically significant, and that variants that disrupt this residue are likely to be disease-causing. This sequence change replaces arginine, which is basic and polar, with cysteine, which is neutral and slightly polar, at codon 43 of the ABCA3 protein (p.Arg43Cys). This variant is present in population databases (rs373617498, gnomAD 0.002%). This missense change has been observed in individual(s) with autosomal recessive childhood interstitial lung disease (PMID: 22337229, 32782805). In at least one individual the data is consistent with being in trans (on the opposite chromosome) from a pathogenic variant. It has also been observed to segregate with disease in related individuals. ClinVar contains an entry for this variant (Variation ID: 1767530). Advanced modeling of protein sequence and biophysical properties (such as structural, functional, and spatial information, amino acid conservation, physicochemical variation, residue mobility, and thermodynamic stability) performed at Invitae indicates that this missense variant is expected to disrupt ABCA3 protein function.

Literature cited by the submitters: PubMed 22337229 (cited by 4 submitters); PubMed 23625987 (cited by 3 submitters); PubMed 24871971 (cited by 4 submitters); PubMed 27516224 (cited by 3 submitters); PubMed 32782805 (cited by 3 submitters); PubMed 33240318 (cited by 3 submitters); PubMed 35078193 (cited by Myriad Genetics, Inc.); PubMed 26375475 (cited by Women's Health and Genetics/Laboratory Corporation of America, LabCorp); PubMed 36808083 (cited by Women's Health and Genetics/Laboratory Corporation of America, LabCorp); PubMed 23166334 (cited by Women's Health and Genetics/Laboratory Corporation of America, LabCorp); PubMed 36404394 (cited by Women's Health and Genetics/Laboratory Corporation of America, LabCorp); PubMed 35170262 (cited by Women's Health and Genetics/Laboratory Corporation of America, LabCorp); PubMed 18024538 (cited by Labcorp Genetics (formerly Invitae), Labcorp).